The following is an entry in ClinVar:

NM_017763.6(RNF43):c.934T>A (p.Cys312Ser)

Gene: RNF43 (ring finger protein 43; minus strand). Cytogenetic location: 17q22.
Variant type: single nucleotide variant.
Coding change: c.934T>A on transcript NM_017763.6 (MANE Select); coding-DNA position 934, T replaced by A.
Protein change: p.Cys312Ser; replaces cysteine 312 with serine.
Molecular consequence: missense variant.
Genome position (GRCh38, 1-based): chr17:58,360,167, A>T on the plus strand (T>A on the coding strand, the complement: RNF43 is on the minus strand). VCF-style: chr17-58360167-A-T. GRCh37 (hg19) VCF-style: chr17-56437528-A-T.
Other names: c.934T>A, p.Cys312Ser (NM_001305544.3, NM_001438820.1, NM_001438821.1 and 1 more transcripts); c.553T>A, p.Cys185Ser (NM_001305545.2, NM_001437987.1); short protein forms C185S, C312S.
Identifiers: ClinVar variation 4863395 (VCV004863395.1).

ClinVar aggregate classification (germline): Uncertain significance (1 of 4 stars; one submission).

Submission:

Ambry Genetics
Classification: Uncertain significance. Last evaluated: 2026-04-14. Review status: criteria provided, single submitter. Criteria: Ambry Variant Classification Scheme 2023. Collection method: clinical testing. Allele origin: germline.
Comment: The p.C312S variant (also known as c.934T>A), located in coding exon 7 of the RNF43 gene, results from a T to A substitution at nucleotide position 934. The cysteine at codon 312 is replaced by serine, an amino acid with dissimilar properties. This amino acid position is highly conserved in available vertebrate species. In addition, this alteration is predicted to be deleterious by in silico analysis. The evidence for this gene-disease relationship is limited; therefore, the clinical significance of this variant is unclear.